The following is an entry in ClinVar:

ClinVar aggregate classification (germline): Uncertain significance (1 of 4 stars; one submission).

Conditions:
Hereditary sensory and autonomic neuropathy type 1 (HSAN1). Also called: HSAN 1; HSN Type I; Hereditary Sensory Neuropathy Type I. Identifiers: Orphanet 36386, MedGen C0020071, MONDO:0018213.

Submission:

Labcorp Genetics (formerly Invitae), Labcorp
Classification: Uncertain significance for Hereditary sensory and autonomic neuropathy type 1. Last evaluated: 2021-03-23. Review status: criteria provided, single submitter. Criteria: Invitae Variant Classification Sherloc (09022015). Collection method: clinical testing. Allele origin: germline.
Comment: In summary, the available evidence is currently insufficient to determine the role of this variant in disease. Therefore, it has been classified as a Variant of Uncertain Significance. Algorithms developed to predict the effect of sequence changes on RNA splicing suggest that this variant may disrupt the consensus splice site, but this prediction has not been confirmed by published transcriptional studies. Algorithms developed to predict the effect of missense changes on protein structure and function (SIFT, PolyPhen-2, Align-GVGD) all suggest that this variant is likely to be disruptive, but these predictions have not been confirmed by published functional studies and their clinical significance is uncertain. This variant has not been reported in the literature in individuals with SPTLC1-related conditions. This variant is not present in population databases (ExAC no frequency). This sequence change replaces glutamine with leucine at codon 328 of the SPTLC1 protein (p.Gln328Leu). The glutamine residue is highly conserved and there is a moderate physicochemical difference between glutamine and leucine.

NM_006415.4(SPTLC1):c.983A>T (p.Gln328Leu)

Gene: SPTLC1 (serine palmitoyltransferase long chain base subunit 1; minus strand). Cytogenetic location: 9q22.31.
Variant type: single nucleotide variant.
Coding change: c.983A>T on transcript NM_006415.4 (MANE Select); coding-DNA position 983, A replaced by T.
Protein change: p.Gln328Leu; replaces glutamine 328 with leucine.
Molecular consequence: missense variant.
Genome position (GRCh38, 1-based): chr9:92,047,614, T>A on the plus strand (A>T on the coding strand, the complement: SPTLC1 is on the minus strand). VCF-style: chr9-92047614-T-A. GRCh37 (hg19) VCF-style: chr9-94809896-T-A.
Other names: c.983A>T, p.Gln328Leu (NM_001281303.2); c.617A>T, p.Gln206Leu (NM_001368272.1); c.518A>T, p.Gln173Leu (NM_001368273.1); short protein forms Q173L, Q206L, Q328L.
Identifiers: ClinVar variation 1513527 (VCV001513527.8), dbSNP rs1354356903, ClinGen allele CA373792627.
Genomic context (GRCh38, chr9:92,047,614, plus strand): 5'-GAGGTGACCAATGGAGAAATTAGTTTCAGTTTTAGCTCCTGTTTTTAAAAAGAACCCACC[T>A]GATGGTCAATTACAAAAGACCTGCCACAGCAGAAACCTCCAATAGAAGCAAGTGCATTCT-3'
Protein context (NP_006406.1, residues 318-338): CCGRSFVIDH[Gln328Leu]RLSGQGYCFS